The following is an entry in ClinVar:

NM_000179.3(MSH6):c.118G>A (p.Ala40Thr)

Gene: MSH6 (mutS homolog 6; plus strand). Cytogenetic location: 2p16.3.
Variant type: single nucleotide variant.
Coding change: c.118G>A on transcript NM_000179.3 (MANE Select); coding-DNA position 118, G replaced by A.
Protein change: p.Ala40Thr; replaces alanine 40 with threonine.
Molecular consequence: missense variant. On other transcripts: 5 prime UTR variant (1).
Genome position (GRCh38, 1-based): chr2:47,783,351, G>A. VCF-style: chr2-47783351-G-A. GRCh37 (hg19) VCF-style: chr2-48010490-G-A.
Other names: p.Ala40Thr; c.118G>A, p.Ala40Thr (NM_001281492.2); c.-619G>A (NM_001281493.2); short protein forms A40T.
Identifiers: ClinVar variation 455121 (VCV000455121.24), dbSNP rs754231971, ClinGen allele CA346734863.

ClinVar aggregate classification (germline): Conflicting classifications of pathogenicity. Review status: criteria provided, conflicting classifications (1 of 4 stars). 9 submissions from 9 submitters: Uncertain significance (7); Benign (1). 1 of the submissions does not count toward it. Last evaluated 2026-01-08.

Conditions:
Hereditary nonpolyposis colorectal neoplasms. Identifiers: MedGen C0009405, MeSH D003123.
Hereditary cancer-predisposing syndrome. Also called: Hereditary Cancer Syndrome; Hereditary neoplastic syndrome; Neoplastic Syndromes, Hereditary; Tumor predisposition. Identifiers: Orphanet 140162, MedGen C0027672, MeSH D009386, MONDO:0015356.
Lynch syndrome. Identifiers: Orphanet 144, MedGen C4552100, MONDO:0005835. Disease mechanism: loss of function.
Lynch syndrome 5 (LYNCH5). Also called: Hereditary non-polyposis colorectal cancer, type 5; Colorectal cancer, hereditary nonpolyposis, type 5. Identifiers: Orphanet 144, MedGen C1833477, MONDO:0013710, OMIM 614350. Disease mechanism: loss of function.

Submissions (9):

Labcorp Genetics (formerly Invitae), Labcorp
Classification: Benign for Hereditary nonpolyposis colorectal neoplasms. Last evaluated: 2026-01-08. Review status: criteria provided, single submitter. Criteria: Invitae Variant Classification Sherloc (09022015). Collection method: clinical testing. Allele origin: germline.

Ambry Genetics
Classification: Uncertain significance for Hereditary cancer-predisposing syndrome. Last evaluated: 2025-07-17. Review status: criteria provided, single submitter. Criteria: Ambry Variant Classification Scheme 2023. Collection method: clinical testing. Allele origin: germline.
Comment: The p.A40T variant (also known as c.118G>A), located in coding exon 1 of the MSH6 gene, results from a G to A substitution at nucleotide position 118. The alanine at codon 40 is replaced by threonine, an amino acid with similar properties. This amino acid position is well conserved in available vertebrate species. In addition, the in silico prediction for this alteration is inconclusive. Since supporting evidence is limited at this time, the clinical significance of this alteration remains unclear.

GeneDx
Classification: Uncertain significance. Last evaluated: 2024-09-26. Review status: criteria provided, single submitter. Criteria: GeneDx Variant Classification Process June 2021. Collection method: clinical testing. Allele origin: germline. Affected: yes.
Comment: Not observed at significant frequency in large population cohorts (gnomAD); In silico analysis indicates that this missense variant does not alter protein structure/function; Has not been previously published as pathogenic or benign to our knowledge

All of Us Research Program, National Institutes of Health
Classification: Uncertain significance for Lynch syndrome. Last evaluated: 2024-09-23. Review status: criteria provided, single submitter. Criteria: ACMG Guidelines, 2015. Collection method: clinical testing. Allele origin: germline. Inheritance: Autosomal dominant inheritance. Observed: 2 variant alleles, 2 heterozygotes.
Comment: This study involves interpretation of variants in research participants for the purpose of population health screening. Participant phenotype was not available at the time of variant classification. Additional details can be found in publication PMID: 35346344, PMCID: PMC8962531

Mayo Clinic Laboratories, Mayo Clinic
Classification: Uncertain significance. Last evaluated: 2024-04-19. Review status: criteria provided, single submitter. Criteria: ACMG Guidelines, 2015. Collection method: clinical testing. Allele origin: germline. Observed: 1 variant allele.
Comment: PM2

Myriad Genetics, Inc.
Classification: Uncertain significance for Lynch syndrome 5. Last evaluated: 2023-03-27. Review status: criteria provided, single submitter. Criteria: Myriad Autosomal Dominant, Autosomal Recessive and X-Linked Classification Criteria (2023). Collection method: clinical testing. Allele origin: unknown.
Comment: This variant is classified as a variant of uncertain significance as there is insufficient evidence to determine its impact on protein function and/or cancer risk.

Color Diagnostics, LLC DBA Color Health
Classification: Uncertain significance for Hereditary cancer-predisposing syndrome. Last evaluated: 2018-08-27. Review status: criteria provided, single submitter. Criteria: ACMG Guidelines, 2015. Collection method: clinical testing. Allele origin: germline.

Women's Health and Genetics/Laboratory Corporation of America, LabCorp
Classification: Uncertain significance. Last evaluated: 2018-06-08. Review status: criteria provided, single submitter. Criteria: LabCorp Variant Classification Summary - May 2015. Collection method: clinical testing. Allele origin: germline.
Comment: Variant summary: MSH6 c.118G>A (p.Ala40Thr) results in a non-conservative amino acid change outside of any known functional domain or repeat of the encoded protein sequence. Three of five in-silico tools predict a benign effect of the variant on protein function. The variant was absent in 228044 control chromosomes. The available data on variant occurrences in the general population are insufficient to allow any conclusion about variant significance. To our knowledge, no occurrence of c.118G>A in individuals affected with Lynch Syndrome and no experimental evidence demonstrating its impact on protein function have been reported. Two clinical diagnostic laboratories have submitted clinical-significance assessments for this variant to ClinVar after 2014 and both classified the variant as uncertain significance. Based on the evidence outlined above, the variant was classified as uncertain significance.

Counsyl
Classification: Uncertain significance for Lynch syndrome 5. Last evaluated: 2017-08-15. Review status: no assertion criteria provided. Collection method: clinical testing. Allele origin: unknown. Not counted in ClinVar's aggregate classification.